The following is an entry in ClinVar:

ClinVar aggregate classification (germline): Uncertain significance (1 of 4 stars; one submission).

Submission:

Women's Health and Genetics/Laboratory Corporation of America, LabCorp
Classification: Uncertain significance. Last evaluated: 2025-04-07. Review status: criteria provided, single submitter. Criteria: LabCorp Variant Classification Summary - May 2015. Collection method: clinical testing. Allele origin: germline.
Comment: Variant summary: ZEB2 c.1928A>C (p.Lys643Thr) results in a non-conservative amino acid change in the encoded protein sequence. Three of five in-silico tools predict a damaging effect of the variant on protein function. The variant was absent in 251330 control chromosomes. The available data on variant occurrences in the general population are insufficient to allow any conclusion about variant significance. To our knowledge, no occurrence of c.1928A>C in individuals affected with Mowat-Wilson Syndrome and no experimental evidence demonstrating its impact on protein function have been reported. No submitters have cited clinical-significance assessments for this variant to ClinVar. Based on the evidence outlined above, the variant was classified as uncertain significance.

NM_014795.4(ZEB2):c.1928A>C (p.Lys643Thr)

Gene: ZEB2 (zinc finger E-box binding homeobox 2; minus strand). Cytogenetic location: 2q22.3.
Variant type: single nucleotide variant.
Coding change: c.1928A>C on transcript NM_014795.4 (MANE Select); coding-DNA position 1928, A replaced by C.
Protein change: p.Lys643Thr; replaces lysine 643 with threonine.
Molecular consequence: missense variant.
Genome position (GRCh38, 1-based): chr2:144,399,259, T>G on the plus strand (A>C on the coding strand, the complement: ZEB2 is on the minus strand). VCF-style: chr2-144399259-T-G. GRCh37 (hg19) VCF-style: chr2-145156826-T-G.
Other names: c.1856A>C, p.Lys619Thr (NM_001171653.2); short protein forms K619T, K643T.
Identifiers: ClinVar variation 3896458 (VCV003896458.2).